The following is an entry in ClinVar:

NM_000310.4(PPT1):c.125-166A>T

Gene: PPT1 (palmitoyl-protein thioesterase 1; minus strand). Cytogenetic location: 1p34.2.
Variant type: single nucleotide variant.
Coding change: c.125-166A>T on transcript NM_000310.4 (MANE Select); 166 bases into the intron before coding-DNA position 125, A replaced by T.
Molecular consequence: intron variant.
Genome position (GRCh38, 1-based): chr1:40,092,673, T>A on the plus strand (A>T on the coding strand, the complement: PPT1 is on the minus strand). VCF-style: chr1-40092673-T-A. GRCh37 (hg19) VCF-style: chr1-40558345-T-A.
Other names: c.125-3161A>T (NM_001142604.2); c.125-166A>T (NM_001363695.2).
Identifiers: ClinVar variation 668040 (VCV000668040.1), dbSNP rs4492608, ClinGen allele CA21017140.

ClinVar aggregate classification (germline): Benign (1 of 4 stars; one submission).

Allele frequency attached by ClinVar (database versions not stated): TOPMed 0.63238; 1000 Genomes Project 30x 0.61056; 1000 Genomes Project 0.62121.
gnomAD v4.1: 98,301 of 151,698 alleles (65%); highest among the groups gnomAD compares: Non-Finnish European, 72%; 32,546 homozygotes.

Submission:

GeneDx
Classification: Benign. Last evaluated: 2018-06-14. Review status: criteria provided, single submitter. Criteria: GeneDx Variant Classification (06012015). Collection method: clinical testing. Allele origin: germline. Affected: yes.
Comment: This variant is considered likely benign or benign based on one or more of the following criteria: it is a conservative change, it occurs at a poorly conserved position in the protein, it is predicted to be benign by multiple in silico algorithms, and/or has population frequency not consistent with disease.